The following is an entry in ClinVar:

NM_000382.3(ALDH3A2):c.1178C>T (p.Thr393Met)

Gene: ALDH3A2 (aldehyde dehydrogenase 3 family member A2; plus strand). Cytogenetic location: 17p11.2.
Variant type: single nucleotide variant.
Coding change: c.1178C>T on transcript NM_000382.3 (MANE Select); coding-DNA position 1178, C replaced by T.
Protein change: p.Thr393Met; replaces threonine 393 with methionine.
Molecular consequence: missense variant.
Genome position (GRCh38, 1-based): chr17:19,665,018, C>T. VCF-style: chr17-19665018-C-T. GRCh37 (hg19) VCF-style: chr17-19568331-C-T.
Other names: c.1178C>T (NM_000382.2); c.1178C>T, p.Thr393Met (NM_001031806.2, NM_001369136.1, NM_001369137.2 and 3 more transcripts); c.599C>T, p.Thr200Met (NM_001369148.2); short protein forms T200M, T393M.
Identifiers: ClinVar variation 1434380 (VCV001434380.6), dbSNP rs756275242, ClinGen allele CA8443028.

ClinVar aggregate classification (germline): Conflicting classifications of pathogenicity. Review status: criteria provided, conflicting classifications (1 of 4 stars). 2 submissions from 2 submitters: Uncertain significance (1); Likely benign (1). Last evaluated 2025-08-13.

Conditions:
Inborn genetic diseases. Identifiers: MedGen C0950123, MeSH D030342.

Allele frequency attached by ClinVar (database versions not stated): gnomAD exomes 0.00001; TOPMed 0.00001; ExAC 0.00002.
gnomAD v4.1: 9 of 1,614,004 alleles (0.00056%); highest among the groups gnomAD compares: South Asian, 0.0044%; no homozygotes.

Submissions (2):

Ambry Genetics
Classification: Likely benign for Inborn genetic diseases. Last evaluated: 2025-08-13. Review status: criteria provided, single submitter. Criteria: Ambry Variant Classification Scheme 2023. Collection method: clinical testing. Allele origin: germline.

Labcorp Genetics (formerly Invitae), Labcorp
Classification: Uncertain significance. Last evaluated: 2021-08-27. Review status: criteria provided, single submitter. Criteria: Invitae Variant Classification Sherloc (09022015). Collection method: clinical testing. Allele origin: germline.
Comment: This sequence change replaces threonine with methionine at codon 393 of the ALDH3A2 protein (p.Thr393Met). The threonine residue is moderately conserved and there is a moderate physicochemical difference between threonine and methionine. This variant is present in population databases (rs756275242, ExAC 0.006%). This variant has not been reported in the literature in individuals affected with ALDH3A2-related conditions. Algorithms developed to predict the effect of missense changes on protein structure and function output the following: SIFT: "Tolerated"; PolyPhen-2: "Benign"; Align-GVGD: "Class C0". The methionine amino acid residue is found in multiple mammalian species, which suggests that this missense change does not adversely affect protein function. In summary, the available evidence is currently insufficient to determine the role of this variant in disease. Therefore, it has been classified as a Variant of Uncertain Significance.